The following is an entry in ClinVar:

ClinVar aggregate classification (germline): Likely benign (1 of 4 stars; one submission).

gnomAD v4.1: 1 of 1,614,030 alleles (0.000062%); highest among the groups gnomAD compares: Non-Finnish European, 0.000085%; no homozygotes.

Submission:

CeGaT Center for Human Genetics Tuebingen
Classification: Likely benign. Last evaluated: 2025-02-01. Review status: criteria provided, single submitter. Criteria: CeGaT Center For Human Genetics Tuebingen Variant Classification Criteria Version 2. Collection method: clinical testing. Allele origin: germline. Affected: yes. Observed: 1 variant allele.
Comment: DDB2: BP4, BP7

NM_000107.3(DDB2):c.525C>T (p.Ser175=)

Gene: DDB2 (damage specific DNA binding protein 2; plus strand). Cytogenetic location: 11p11.2.
Variant type: single nucleotide variant.
Coding change: c.525C>T on transcript NM_000107.3 (MANE Select); coding-DNA position 525, C replaced by T.
Protein change: p.Ser175=; no amino-acid change (serine 175 retained).
Molecular consequence: synonymous variant. On other transcripts: non-coding transcript variant (2), intron variant (2).
Genome position (GRCh38, 1-based): chr11:47,232,882, C>T. VCF-style: chr11-47232882-C-T. GRCh37 (hg19) VCF-style: chr11-47254433-C-T.
Other names: c.525C>T, p.Ser175= (NM_001399874.1, NM_001399875.1); c.333C>T, p.Ser111= (NM_001399878.1); c.457-4955C>T (NM_001399876.1, NM_001300734.2).
Identifiers: ClinVar variation 3778385 (VCV003778385.7).